The following is an entry in ClinVar:

NM_001849.4(COL6A2):c.231C>A (p.Phe77Leu)

Gene: COL6A2 (collagen type VI alpha 2 chain; plus strand). Cytogenetic location: 21q22.3.
Variant type: single nucleotide variant.
Coding change: c.231C>A on transcript NM_001849.4 (MANE Select); coding-DNA position 231, C replaced by A.
Protein change: p.Phe77Leu; replaces phenylalanine 77 with leucine.
Molecular consequence: missense variant.
Genome position (GRCh38, 1-based): chr21:46,112,094, C>A. VCF-style: chr21-46112094-C-A. GRCh37 (hg19) VCF-style: chr21-47532008-C-A.
Other names: c.231C>A, p.Phe77Leu (NM_058174.3, NM_058175.3); short protein forms F77L.
Identifiers: ClinVar variation 1927150 (VCV001927150.5), dbSNP rs2516989348, ClinGen allele CA410520374.

ClinVar aggregate classification (germline): Uncertain significance (1 of 4 stars; one submission).

Conditions:
Bethlem myopathy 1A. Also called: Bethlem myopathy 1; MYOPATHY, BENIGN CONGENITAL, WITH CONTRACTURES; Bethlem Muscular Dystrophy. Identifiers: Orphanet 610, MedGen CN029274, MONDO:0024530, OMIM 158810.

Submission:

Labcorp Genetics (formerly Invitae), Labcorp
Classification: Uncertain significance for Bethlem myopathy 1A. Last evaluated: 2022-06-23. Review status: criteria provided, single submitter. Criteria: Invitae Variant Classification Sherloc (09022015). Collection method: clinical testing. Allele origin: germline.
Comment: This variant has not been reported in the literature in individuals affected with COL6A2-related conditions. This sequence change replaces phenylalanine, which is neutral and non-polar, with leucine, which is neutral and non-polar, at codon 77 of the COL6A2 protein (p.Phe77Leu). This variant is not present in population databases (gnomAD no frequency). Advanced modeling of protein sequence and biophysical properties (such as structural, functional, and spatial information, amino acid conservation, physicochemical variation, residue mobility, and thermodynamic stability) performed at Invitae indicates that this missense variant is not expected to disrupt COL6A2 protein function. In summary, the available evidence is currently insufficient to determine the role of this variant in disease. Therefore, it has been classified as a Variant of Uncertain Significance.